The following is an entry in ClinVar:

ClinVar aggregate classification (germline): Conflicting classifications of pathogenicity. Review status: criteria provided, conflicting classifications (1 of 4 stars). 2 submissions from 2 submitters: Uncertain significance (1); Likely benign (1). Last evaluated 2022-09-01.

Conditions:
Inborn genetic diseases. Identifiers: MedGen C0950123, MeSH D030342.

Allele frequency attached by ClinVar (database versions not stated): gnomAD 0.00001; ExAC 0.00002; gnomAD exomes 0.00003; TOPMed 0.00005; ESP Exome Variant Server 0.00008.
gnomAD v4.1: 13 of 1,596,040 alleles (0.00081%); highest among the groups gnomAD compares: Admixed American, 0.007%; no homozygotes.

Submissions (2):

Labcorp Genetics (formerly Invitae), Labcorp
Classification: Uncertain significance. Last evaluated: 2022-09-01. Review status: criteria provided, single submitter. Criteria: Invitae Variant Classification Sherloc (09022015). Collection method: clinical testing. Allele origin: germline.
Comment: This sequence change replaces arginine, which is basic and polar, with glutamine, which is neutral and polar, at codon 1630 of the CAD protein (p.Arg1630Gln). This variant is present in population databases (rs375486999, gnomAD 0.009%). This variant has not been reported in the literature in individuals affected with CAD-related conditions. ClinVar contains an entry for this variant (Variation ID: 1358978). Algorithms developed to predict the effect of missense changes on protein structure and function output the following: SIFT: "Tolerated"; PolyPhen-2: "Benign"; Align-GVGD: "Class C0". The glutamine amino acid residue is found in multiple mammalian species, which suggests that this missense change does not adversely affect protein function. In summary, the available evidence is currently insufficient to determine the role of this variant in disease. Therefore, it has been classified as a Variant of Uncertain Significance.

Ambry Genetics
Classification: Likely benign for Inborn genetic diseases. Last evaluated: 2022-06-17. Review status: criteria provided, single submitter. Criteria: Ambry Variant Classification Scheme 2023. Collection method: clinical testing. Allele origin: germline.

NM_004341.5(CAD):c.4889G>A (p.Arg1630Gln)

Gene: CAD (carbamoyl-phosphate synthetase 2, aspartate transcarbamylase, and dihydroorotase; plus strand). Cytogenetic location: 2p23.3.
Variant type: single nucleotide variant.
Coding change: c.4889G>A on transcript NM_004341.5 (MANE Select); coding-DNA position 4889, G replaced by A.
Protein change: p.Arg1630Gln; replaces arginine 1630 with glutamine.
Molecular consequence: missense variant.
Genome position (GRCh38, 1-based): chr2:27,238,459, G>A. VCF-style: chr2-27238459-G-A. GRCh37 (hg19) VCF-style: chr2-27461327-G-A.
Other names: c.4700G>A, p.Arg1567Gln (NM_001306079.2); c.4889G>A (NM_004341.3); short protein forms R1567Q, R1630Q.
Identifiers: ClinVar variation 1358978 (VCV001358978.4), dbSNP rs375486999, ClinGen allele CA1573691.